The following is an entry in ClinVar:

ClinVar aggregate classification (germline): Uncertain significance (1 of 4 stars; one submission).

Conditions:
Familial melanoma. Also called: Hereditary melanoma; Hereditary cutaneous melanoma. Identifiers: Orphanet 618, MedGen C1512419, MONDO:0018961.

Submission:

Labcorp Genetics (formerly Invitae), Labcorp
Classification: Uncertain significance for Familial melanoma. Last evaluated: 2024-09-10. Review status: criteria provided, single submitter. Criteria: Invitae Variant Classification Sherloc (09022015). Collection method: clinical testing. Allele origin: germline.
Comment: This sequence change replaces leucine, which is neutral and non-polar, with arginine, which is basic and polar, at codon 62 of the CDKN2A (p16INK4a) protein (p.Leu62Arg). This variant is not present in population databases (gnomAD no frequency). This variant has not been reported in the literature in individuals affected with CDKN2A (p16INK4a)-related conditions. An algorithm developed to predict the effect of missense changes on protein structure and function (PolyPhen-2) suggests that this variant is likely to be disruptive. In summary, the available evidence is currently insufficient to determine the role of this variant in disease. Therefore, it has been classified as a Variant of Uncertain Significance.

NM_000077.5(CDKN2A):c.185T>G (p.Leu62Arg)

Gene: CDKN2A (cyclin dependent kinase inhibitor 2A; minus strand). Cytogenetic location: 9p21.3.
Variant type: single nucleotide variant.
Coding change: c.185T>G on transcript NM_000077.5; coding-DNA position 185, T replaced by G.
Protein change: p.Leu62Arg; replaces leucine 62 with arginine.
Molecular consequence: missense variant (on NM_000077.6). On other transcripts: synonymous variant (1), 3 prime UTR variant (1).
Genome position (GRCh38, 1-based): chr9:21,971,174, A>C on the plus strand (T>G on the coding strand, the complement: CDKN2A is on the minus strand). VCF-style: chr9-21971174-A-C. GRCh37 (hg19) VCF-style: chr9-21971173-A-C.
Other names: c.185T>G, p.Leu62Arg (NM_000077.6, NM_001195132.2); c.32T>G, p.Leu11Arg (NM_001363763.2); c.228T>G, p.Ala76= (NM_058195.4); c.*108T>G (NM_058197.5); short protein forms L62R, L11R.
Identifiers: ClinVar variation 3681946 (VCV003681946.2).
Genomic context (GRCh38, chr9:21,971,174, plus strand): 5'-ACGGGTCGGGTGAGAGTGGCGGGGTCGGCGCAGTTGGGCTCCGCGCCGTGGAGCAGCAGC[A>C]GCTCCGCCACTCGGGCGCTGCCCATCATCATGACCTGCCAGAGAGAACAGAATGGTCAGA-3'
Protein context (NP_000068.1, residues 52-72): MMMGSARVAE[Leu62Arg]LLLHGAEPNC